The following is an entry in ClinVar:

NM_003640.5(ELP1):c.1644-2A>C

Gene: ELP1 (elongator acetyltransferase complex subunit 1; minus strand). Cytogenetic location: 9q31.3.
Variant type: single nucleotide variant.
Coding change: c.1644-2A>C on transcript NM_003640.5 (MANE Select); the canonical splice acceptor site of the intron before coding-DNA position 1644, A replaced by C.
Molecular consequence: splice acceptor variant.
Genome position (GRCh38, 1-based): chr9:108,903,671, T>G on the plus strand (A>C on the coding strand, the complement: ELP1 is on the minus strand). VCF-style: chr9-108903671-T-G. GRCh37 (hg19) VCF-style: chr9-111665951-T-G.
Other names: c.1644-2A>C (NM_003640.4); c.1302-2A>C (NM_001318360.2); c.597-2A>C (NM_001330749.2).
Identifiers: ClinVar variation 1517077 (VCV001517077.7), dbSNP rs1413906605, ClinGen allele CA374426160.

ClinVar aggregate classification (germline): Likely pathogenic. Review status: criteria provided, multiple submitters, no conflicts (2 of 4 stars). 2 submissions from 2 submitters: Likely pathogenic (2). Last evaluated 2025-12-01.

Conditions:
Familial dysautonomia. Also called: FD; HSAN III. Identifiers: Orphanet 1764, MedGen C0013364, MONDO:0009131, OMIM 223900. Disease mechanism: loss of function.

Submissions (2):

Natera, Inc.
Classification: Likely pathogenic for Familial dysautonomia. Last evaluated: 2025-12-01. Review status: criteria provided, single submitter. Criteria: Natera Variant Classification Schema (03/2026). Collection method: clinical testing. Allele origin: germline.
Comment: The c.1644-2A>C variant in ELP1 is a canonical splice acceptor site variant predicted to affect pre-mRNA splicing, which may result in an abnormal transcript and altered protein product. This variant is expected to result in nonsense mediated decay, truncation, or a dysfunctional protein product. This variant is rare in the general population with a frequency below the threshold expected for the associated phenotype(s). Given the available evidence, this variant is classified as Likely Pathogenic.

Labcorp Genetics (formerly Invitae), Labcorp
Classification: Likely pathogenic. Last evaluated: 2023-10-04. Review status: criteria provided, single submitter. Criteria: Invitae Variant Classification Sherloc (09022015). Collection method: clinical testing. Allele origin: germline.
Comment: This sequence change affects an acceptor splice site in intron 14 of the ELP1 gene. It is expected to disrupt RNA splicing. Variants that disrupt the donor or acceptor splice site typically lead to a loss of protein function (PMID: 16199547), and loss-of-function variants in ELP1 are known to be pathogenic (PMID: 18303054, 24173031). This variant is not present in population databases (gnomAD no frequency). This variant has not been reported in the literature in individuals affected with ELP1-related conditions. ClinVar contains an entry for this variant (Variation ID: 1517077). Algorithms developed to predict the effect of sequence changes on RNA splicing suggest that this variant may disrupt the consensus splice site. In summary, the currently available evidence indicates that the variant is pathogenic, but additional data are needed to prove that conclusively. Therefore, this variant has been classified as Likely Pathogenic.

Literature cited by the submitters: PubMed 16199547 (cited by Labcorp Genetics (formerly Invitae), Labcorp); PubMed 18303054 (cited by Labcorp Genetics (formerly Invitae), Labcorp); PubMed 24173031 (cited by Labcorp Genetics (formerly Invitae), Labcorp).